The following is an entry in ClinVar:

NM_001563.4(IMPG1):c.214G>A (p.Ala72Thr)

Gene: IMPG1 (interphotoreceptor matrix proteoglycan 1; minus strand). Cytogenetic location: 6q14.1.
Variant type: single nucleotide variant.
Coding change: c.214G>A on transcript NM_001563.4 (MANE Select); coding-DNA position 214, G replaced by A.
Protein change: p.Ala72Thr; replaces alanine 72 with threonine.
Molecular consequence: missense variant. On other transcripts: intron variant (1).
Genome position (GRCh38, 1-based): chr6:76,041,980, C>T on the plus strand (G>A on the coding strand, the complement: IMPG1 is on the minus strand). VCF-style: chr6-76041980-C-T. GRCh37 (hg19) VCF-style: chr6-76751697-C-T.
Other names: c.68-7193G>A (NM_001282368.2); short protein forms A72T.
Identifiers: ClinVar variation 943747 (VCV000943747.10), dbSNP rs769499134, ClinGen allele CA3898613.

ClinVar aggregate classification (germline): Conflicting classifications of pathogenicity. Review status: criteria provided, conflicting classifications (1 of 4 stars). 2 submissions from 2 submitters: Uncertain significance (1); Benign (1). Last evaluated 2024-10-24.

Conditions:
Retinal dystrophy. Also called: Inherited retinal dystrophy. Identifiers: Orphanet 71862, MedGen C0854723, MeSH D058499, MONDO:0019118, HP:0000556.

Allele frequency attached by ClinVar (database versions not stated): ExAC 0.00001; gnomAD 0.00001 and 0.00002.
gnomAD v4.1: 30 of 1,613,776 alleles (0.0019%); highest among the groups gnomAD compares: East Asian, 0.02%; no homozygotes.

Submissions (2):

Labcorp Genetics (formerly Invitae), Labcorp
Classification: Uncertain significance. Last evaluated: 2024-10-24. Review status: criteria provided, single submitter. Criteria: Invitae Variant Classification Sherloc (09022015). Collection method: clinical testing. Allele origin: germline.
Comment: This sequence change replaces alanine, which is neutral and non-polar, with threonine, which is neutral and polar, at codon 72 of the IMPG1 protein (p.Ala72Thr). This variant is present in population databases (rs769499134, gnomAD 0.003%). This variant has not been reported in the literature in individuals affected with IMPG1-related conditions. ClinVar contains an entry for this variant (Variation ID: 943747). An algorithm developed to predict the effect of missense changes on protein structure and function outputs the following: PolyPhen-2: "Benign". The threonine amino acid residue is found in multiple mammalian species, which suggests that this missense change does not adversely affect protein function. In summary, the available evidence is currently insufficient to determine the role of this variant in disease. Therefore, it has been classified as a Variant of Uncertain Significance.

Dept Of Ophthalmology, Nagoya University
Classification: Benign for Retinal dystrophy. Last evaluated: 2023-10-01. Review status: criteria provided, single submitter. Criteria: Submitter's publication. Collection method: research. Allele origin: germline. Affected: yes.